The following is an entry in ClinVar:

ClinVar aggregate classification (germline): Benign. Review status: criteria provided, multiple submitters, no conflicts (2 of 4 stars). 13 submissions from 9 submitters: Benign (11). 2 of the submissions do not count toward it. Last evaluated 2026-02-04.

Conditions:
GRACILE syndrome (FLNMS). Also called: FELLMAN SYNDROME; FINNISH LETHAL NEONATAL METABOLIC SYNDROME. Identifiers: Orphanet 53693, MedGen C1864002, MONDO:0011308, OMIM 603358.
Pili torti-deafness syndrome (BJS). Also called: Bjornstad syndrome; PILI TORTI AND NERVE DEAFNESS. Identifiers: Orphanet 123, MedGen C0266006, MONDO:0009872, OMIM 262000.
Leigh syndrome (NULS). Also called: Leigh Disease; Subacute necrotizing encephalopathy; Necrotizing encephalopathy infantile subacute of Leigh; Leigh Syndrome (mtDNA deletion); Leigh's syndrome; LEIGH SYNDROME, NUCLEAR. Identifiers: Orphanet 506, MedGen C2931891, MONDO:0009723, OMIM 256000.
Mitochondrial complex III deficiency nuclear type 1. Identifiers: Orphanet 254902, MedGen C3541471, MONDO:0007415, OMIM 124000.

Allele frequency attached by ClinVar (database versions not stated): gnomAD exomes 0.03742 and 0.04350; ExAC 0.04564; ESP Exome Variant Server 0.05559; gnomAD 0.05586 and 0.05607; TOPMed 0.05854; 1000 Genomes Project 30x 0.07542; 1000 Genomes Project 0.07668.
gnomAD v4.1: 63,457 of 1,613,760 alleles (3.9%); highest among the groups gnomAD compares: East Asian, 11%; 1,640 homozygotes.

Submissions (13):

Labcorp Genetics (formerly Invitae), Labcorp
Classification: Benign. Last evaluated: 2026-02-04. Review status: criteria provided, single submitter. Criteria: Invitae Variant Classification Sherloc (09022015). Collection method: clinical testing. Allele origin: germline.

Genome-Nilou Lab
Classification: Benign for Pili torti-deafness syndrome. Last evaluated: 2021-06-10. Review status: criteria provided, single submitter. Criteria: ACMG Guidelines, 2015. Collection method: clinical testing. Allele origin: germline. Affected: no.

Genome-Nilou Lab
Classification: Benign for GRACILE syndrome. Last evaluated: 2021-06-10. Review status: criteria provided, single submitter. Criteria: ACMG Guidelines, 2015. Collection method: clinical testing. Allele origin: germline. Affected: no.

Genome-Nilou Lab
Classification: Benign for Mitochondrial complex III deficiency nuclear type 1. Last evaluated: 2021-06-10. Review status: criteria provided, single submitter. Criteria: ACMG Guidelines, 2015. Collection method: clinical testing. Allele origin: germline. Affected: no.

Athena Diagnostics
Classification: Benign. Last evaluated: 2019-03-15. Review status: criteria provided, single submitter. Criteria: Athena Diagnostics Criteria. Collection method: clinical testing. Allele origin: germline.

Illumina Laboratory Services, Illumina
Classification: Benign for GRACILE syndrome. Last evaluated: 2018-01-12. Review status: criteria provided, single submitter. Criteria: ICSL Variant Classification Criteria 13 December 2019. Collection method: clinical testing. Allele origin: germline.
Comment: This variant was observed in the ICSL laboratory as part of a predisposition screen in an ostensibly healthy population. It had not been previously curated by ICSL or reported in the Human Gene Mutation Database (HGMD: prior to June 1st, 2018), and was therefore a candidate for classification through an automated scoring system. Utilizing variant allele frequency, disease prevalence and penetrance estimates, and inheritance mode, an automated score was calculated to assess if this variant is too frequent to cause the disease. Based on the score and internal cut-off values, a variant classified as benign is not then subjected to further curation. The score for this variant resulted in a classification of benign for this disease.

Illumina Laboratory Services, Illumina
Classification: Benign for Leigh syndrome. Last evaluated: 2018-01-12. Review status: criteria provided, single submitter. Criteria: ICSL Variant Classification Criteria 13 December 2019. Collection method: clinical testing. Allele origin: germline.
Comment: the same text as in the submission from Illumina Laboratory Services, Illumina above.

Illumina Laboratory Services, Illumina
Classification: Benign for Mitochondrial complex III deficiency nuclear type 1. Last evaluated: 2018-01-12. Review status: criteria provided, single submitter. Criteria: ICSL Variant Classification Criteria 13 December 2019. Collection method: clinical testing. Allele origin: germline.
Comment: the same text as in the submission from Illumina Laboratory Services, Illumina above.

Laboratory for Molecular Medicine, Mass General Brigham Personalized Medicine
Classification: Benign. Last evaluated: 2016-03-21. Review status: criteria provided, single submitter. Criteria: LMM Criteria. Collection method: clinical testing. Allele origin: germline. Observed: 21 variant alleles.
Comment: p.Asn332Asn in exon 8 of BCS1L: This variant is not expected to have clinical si gnificance because it does not alter an amino acid residue, is not located withi n the splice consensus sequence, and has been identified in 11.50% (994/8646) of East Asian chromosomes by the Exome Aggregation Consortium (ExAC; dbSNP rs33946522).

GeneDx
Classification: Benign. Last evaluated: 2012-02-14. Review status: criteria provided, single submitter. Criteria: GeneDx Variant Classification (06012015). Collection method: clinical testing. Allele origin: germline. Affected: yes.
Comment: This variant is considered likely benign or benign based on one or more of the following criteria: it is a conservative change, it occurs at a poorly conserved position in the protein, it is predicted to be benign by multiple in silico algorithms, and/or has population frequency not consistent with disease.

Breakthrough Genomics
Classification: Benign. Review status: criteria provided, single submitter. Criteria: ACMG Guidelines, 2015. Collection method: not provided. Allele origin: germline. Inheritance: Autosomal recessive inheritance. Affected: yes.

Natera, Inc.
Classification: Benign for GRACILE syndrome. Last evaluated: 2020-09-16. Review status: no assertion criteria provided. Collection method: clinical testing. Allele origin: germline. Not counted in ClinVar's aggregate classification.

Mayo Clinic Laboratories, Mayo Clinic
Classification: Benign. Last evaluated: 2016-02-22. Review status: no assertion criteria provided. Collection method: clinical testing. Allele origin: unknown. Not counted in ClinVar's aggregate classification.

NM_001079866.2(BCS1L):c.996C>T (p.Asn332=)

Gene: BCS1L (BCS1 ubiquinol-cytochrome c reductase complex chaperone; plus strand). Cytogenetic location: 2q35.
Variant type: single nucleotide variant.
Coding change: c.996C>T on transcript NM_001079866.2 (MANE Select); coding-DNA position 996, C replaced by T.
Protein change: p.Asn332=; no amino-acid change (asparagine 332 retained).
Molecular consequence: synonymous variant. On other transcripts: non-coding transcript variant (1).
Genome position (GRCh38, 1-based): chr2:218,662,989, C>T. VCF-style: chr2-218662989-C-T. GRCh37 (hg19) VCF-style: chr2-219527712-C-T.
Other names: p.N332N:AAC>AAT; c.996C>T, p.Asn332= (NM_001257342.2, NM_001257343.2, NM_001257344.2 and 10 more transcripts); c.636C>T, p.Asn212= (NM_001318836.2, NM_001371451.1); c.495C>T, p.Asn165= (NM_001371452.1, NM_001371453.1, NM_001371454.1 and 3 more transcripts).
Identifiers: ClinVar variation 136503 (VCV000136503.26), dbSNP rs33946522, ClinGen allele CA289671.
Genomic context (GRCh38, chr2:218,662,989, plus strand): 5'-GCTCAATGCCTTGGATGGTGTGGCTTCCACCGAGGCCCGCATCGTGTTCATGACCACCAA[C>T]CACGTTGACAGGTAGGAAGGAGCCAGGCATCCTGAGACTTAGGCAAGAGCCCACCTCCTC-3'
Protein context (NP_001073335.1, residues 322-342): TEARIVFMTT[Asn332=]HVDRLDPALI